The following is an entry in ClinVar:

ClinVar aggregate classification (germline): Pathogenic (1 of 4 stars; one submission).

Submission:

Labcorp Genetics (formerly Invitae), Labcorp
Classification: Pathogenic. Last evaluated: 2023-02-22. Review status: criteria provided, single submitter. Criteria: Invitae Variant Classification Sherloc (09022015). Collection method: clinical testing. Allele origin: germline.
Comment: For these reasons, this variant has been classified as Pathogenic. This variant has not been reported in the literature in individuals affected with EYS-related conditions. This variant is not present in population databases (gnomAD no frequency). This sequence change creates a premature translational stop signal (p.Lys139*) in the EYS gene. It is expected to result in an absent or disrupted protein product. Loss-of-function variants in EYS are known to be pathogenic (PMID: 18836446, 20333770).

Literature cited by the submitters: PubMed 18836446; PubMed 20333770.

NM_001142800.2(EYS):c.414dup (p.Lys139Ter)

Gene: EYS (EGF-like photoreceptor maintenance factor; minus strand). Cytogenetic location: 6q12.
Variant type: Duplication.
Coding change: c.414dup on transcript NM_001142800.2 (MANE Select); coding-DNA position 414, one base duplicated (T; older notation c.414dupT).
Protein change: p.Lys139Ter; replaces lysine 139 with a stop codon.
Molecular consequence: nonsense.
Genome position (GRCh38, 1-based): chr6:65,494,997, A duplicated on the plus strand (T on the coding strand, the reverse complement: EYS is on the minus strand). VCF-style (leftmost placement, unchanged base first): chr6-65494996-T-TA. GRCh37 (hg19) VCF-style: chr6-66204889-T-TA.
Other names: c.414dup, p.Lys139Ter (NM_001142801.2, NM_001292009.2, NM_198283.2); short protein forms K139*.
Identifiers: ClinVar variation 2839838 (VCV002839838.3), dbSNP rs2533028837, ClinGen allele CA2739273188.
Genomic context (GRCh38, chr6:65,494,996, plus strand): 5'-AAGGTGATGGACCACTTGCCATAACTGTGATAAAATAATGTGTCCCAACACTCAGCCACT[T>TA]AGAATTAACAGTGTGCATTCCTTTTAGTCTGCAGCCAAAAAGTAACTGATCTTCCGTTGT-3'